The following is an entry in ClinVar:

ClinVar aggregate classification (germline): Uncertain significance (1 of 4 stars; one submission).

Conditions:
Early-infantile DEE. Also called: Early infantile epileptic encephalopathy with suppression bursts; Early infantile epileptic encephalopathy; Ohtahara syndrome. Identifiers: Orphanet 1934, MedGen C0393706, MONDO:0800491.

Allele frequency attached by ClinVar (database versions not stated): ESP Exome Variant Server 0.00008; TOPMed below 0.00001; ExAC 0.00001; gnomAD exomes 0.00001.
gnomAD v4.1: 10 of 1,611,512 alleles (0.00062%); highest among the groups gnomAD compares: Non-Finnish European, 0.00085%; no homozygotes.

Submission:

Labcorp Genetics (formerly Invitae), Labcorp
Classification: Uncertain significance for Early-infantile DEE. Last evaluated: 2025-02-24. Review status: criteria provided, single submitter. Criteria: Invitae Variant Classification Sherloc (09022015). Collection method: clinical testing. Allele origin: germline.
Comment: This sequence change replaces lysine, which is basic and polar, with threonine, which is neutral and polar, at codon 766 of the CACNA2D2 protein (p.Lys766Thr). This variant is present in population databases (rs368699159, gnomAD 0.0009%). This variant has not been reported in the literature in individuals affected with CACNA2D2-related conditions. ClinVar contains an entry for this variant (Variation ID: 461311). An algorithm developed to predict the effect of missense changes on protein structure and function (PolyPhen-2) suggests that this variant is likely to be disruptive. In summary, the available evidence is currently insufficient to determine the role of this variant in disease. Therefore, it has been classified as a Variant of Uncertain Significance.

NM_006030.4(CACNA2D2):c.2297A>C (p.Lys766Thr)

Genes: CACNA2D2 (calcium voltage-gated channel auxiliary subunit alpha2delta 2; minus strand), LOC101928965 (uncharacterized LOC101928965; plus strand), LOC127898564 (CYB561D2-LOC101928965; plus strand). Cytogenetic location: 3p21.31.
Variant type: single nucleotide variant.
Coding change: c.2297A>C on transcript NM_006030.4 (MANE Select); coding-DNA position 2297, A replaced by C.
Protein change: p.Lys766Thr; replaces lysine 766 with threonine.
Molecular consequence: missense variant.
Genome position (GRCh38, 1-based): chr3:50,367,642, T>G on the plus strand (A>C on the coding strand, the complement: CACNA2D2 is on the minus strand). VCF-style: chr3-50367642-T-G. GRCh37 (hg19) VCF-style: chr3-50405073-T-G.
Other names: c.2297A>C, p.Lys766Thr (NM_001005505.3); c.2318A>C, p.Lys773Thr (NM_001174051.3); c.2090A>C, p.Lys697Thr (NM_001291101.1); short protein forms K766T, K773T, K697T.
Identifiers: ClinVar variation 461311 (VCV000461311.6), dbSNP rs368699159, ClinGen allele CA2418533.
Genomic context (GRCh38, chr3:50,367,642, plus strand): 5'-CAGAACAGATGCAGGTTCCCTGGCAGGGGCAGGGTTTGGGTAGTGGGATAGGTCACTTAC[T>G]TGTTGGGGAAGACTCGGGTGATGCCACCGTCTGTGGCAGCGAACACGGCCAGTAGGCTGT-3'
Protein context (NP_006021.2, residues 756-776): DGGITRVFPN[Lys766Thr]AAEDWTENPE